The following is an entry in ClinVar:

ClinVar aggregate classification (germline): Pathogenic (1 of 4 stars; one submission).

Conditions:
Joubert syndrome 13 (JBTS13). Identifiers: Orphanet 475, MedGen C3280031, MONDO:0013608, OMIM 614173.

Submission:

Victorian Clinical Genetics Services, Murdoch Childrens Research Institute
Classification: Pathogenic for Joubert syndrome 13. Last evaluated: 2022-02-02. Review status: criteria provided, single submitter. Criteria: ACMG Guidelines, 2015. Collection method: clinical testing. Allele origin: germline. Inheritance: Autosomal recessive inheritance.
Comment: Based on the classification scheme VCGS_Germline_v1.3.4, this variant is classified as Pathogenic. Following criteria are met: 0102 - Loss of function is a known mechanism of disease in this gene and is associated with Joubert syndrome 13 (MIM#614173). (I) 0106 - This gene is associated with autosomal recessive disease. (I) 0201 - Variant is predicted to cause nonsense-mediated decay (NMD) and loss of protein (premature termination codon is located at least 54 nucleotides upstream of the final exon-exon junction). (SP) 0251 - This variant is heterozygous. (I) 0301 - Variant is absent from gnomAD (both v2 and v3). (SP) 0702 - Other NMD predicted variants comparable to the one identified in this case have strong previous evidence for pathogenicity. Other NMD predicted variants have been reported as pathogenic in individuals with Joubert syndrome (ClinVar, PMID: 21725307, PMID: 26477546) (SP) 0807 - This variant has no previous evidence of pathogenicity. (I) 0905 - No published segregation evidence has been identified for this variant. (I) 1007 - No published functional evidence has been identified for this variant. (I) 1208 - Inheritance information for this variant is not currently available in this individual. (I) Legend: (SP) - Supporting pathogenic, (I) - Information, (SB) - Supporting benign

Literature cited by the submitters: PubMed 21725307; PubMed 26477546.

NM_001082538.3(TCTN1):c.378_381dup (p.Ser128fs)

Gene: TCTN1 (tectonic family member 1; plus strand). Cytogenetic location: 12q24.11.
Variant type: Duplication.
Coding change: c.378_381dup on transcript NM_001082538.3 (MANE Select); coding-DNA positions 378 to 381, 4 bases duplicated (CTAT; older notation c.378_381dupCTAT).
Protein change: p.Ser128fs; shifts the reading frame from serine 128.
Molecular consequence: frameshift variant. On other transcripts: 5 prime UTR variant (1), non-coding transcript variant (1).
Genome position (GRCh38, 1-based): chr12:110,626,398-110,626,401, CTAT duplicated; duplicating any 4 consecutive bases within chr12:110,626,396-110,626,401 gives the same sequence; the c. name uses the placement nearest the transcript's 3' end. VCF-style (leftmost placement, unchanged base first): chr12-110626395-C-CATCT. GRCh37 (hg19) VCF-style: chr12-111064200-C-CATCT.
Other names: c.378_381dup, p.Ser128fs (NM_001082537.3, NM_001319680.2, NM_024549.6); c.210_213dup, p.Ser72fs (NM_001173975.3, NM_001319682.3); c.198_201dup, p.Ser68fs (NM_001173976.2); c.-330_-327dup (NM_001319681.2); short protein forms S128fs, S68fs, S72fs.
Identifiers: ClinVar variation 1805072 (VCV001805072.1), dbSNP rs2548832773, ClinGen allele CA2573050741.